The following is an entry in ClinVar:

ClinVar aggregate classification (germline): Uncertain significance. Review status: criteria provided, multiple submitters, no conflicts (2 of 4 stars). 2 submissions from 2 submitters: Uncertain significance (2). Last evaluated 2024-04-12.

Conditions:
Megaloblastic anemia, thiamine-responsive, with diabetes mellitus and sensorineural deafness (TRMA). Also called: THIAMINE METABOLISM DYSFUNCTION SYNDROME 1 (MEGALOBLASTIC ANEMIA, DIABETES MELLITUS, AND DEAFNESS TYPE); THIAMINE-RESPONSIVE ANEMIA SYNDROME; THIAMINE-RESPONSIVE MYELODYSPLASIA; Thiamine-Responsive Megaloblastic Anemia Syndrome; ROGERS SYNDROME. Identifiers: Orphanet 49827, MedGen C0342287, MONDO:0009575, OMIM 249270.

Submissions (2):

Fulgent Genetics
Classification: Uncertain significance for Megaloblastic anemia, thiamine-responsive, with diabetes mellitus and sensorineural deafness. Last evaluated: 2024-04-12. Review status: criteria provided, single submitter. Criteria: ACMG Guidelines, 2015. Collection method: clinical testing. Allele origin: germline.

Labcorp Genetics (formerly Invitae), Labcorp
Classification: Uncertain significance. Last evaluated: 2022-08-09. Review status: criteria provided, single submitter. Criteria: Invitae Variant Classification Sherloc (09022015). Collection method: clinical testing. Allele origin: germline.
Comment: This variant, c.42_47del, results in the deletion of 2 amino acid(s) of the SLC19A2 protein (p.Ala15_Ala16del), but otherwise preserves the integrity of the reading frame. This variant is present in population databases (no rsID available, gnomAD 0.1%). This variant has not been reported in the literature in individuals affected with SLC19A2-related conditions. Experimental studies and prediction algorithms are not available or were not evaluated, and the functional significance of this variant is currently unknown. In summary, the available evidence is currently insufficient to determine the role of this variant in disease. Therefore, it has been classified as a Variant of Uncertain Significance.

NM_006996.3(SLC19A2):c.30GGC[4] (p.Ala15_Ala16del)

Genes: SLC19A2 (solute carrier family 19 member 2; minus strand), LOC129931894 (ATAC-STARR-seq lymphoblastoid silent region 1546; plus strand). Cytogenetic location: 1q24.2.
Variant type: Microsatellite.
Coding change: c.30GGC[4] on transcript NM_006996.3 (MANE Select); four copies in a row of the 3-base unit GGC starting at c.30; the reference has six copies in a row; two copies, 6 bases deleted; also written c.42_47del.
Protein change: p.Ala15_Ala16del.
Molecular consequence: inframe deletion.
Genome position (GRCh38, 1-based): chr1:169,485,720-169,485,725, GCCGCC deleted on the plus strand (GGCGGC on the coding strand, the reverse complement: SLC19A2 is on the minus strand); deleting any 6 consecutive bases within chr1:169,485,720-169,485,737 gives the same sequence; the position shown is the placement nearest the transcript's 3' end. VCF-style (leftmost placement, unchanged base first): chr1-169485719-GGCCGCC-G. GRCh37 (hg19) VCF-style: chr1-169454957-GGCCGCC-G.
Other names: c.30GGC[4], p.Ala15_Ala16del (NM_001319667.1); c.42_47del (NM_006996.3).
Identifiers: ClinVar variation 2079261 (VCV002079261.2), dbSNP rs776444312, ClinGen allele CA32390776.